The following is an entry in ClinVar:

NM_000238.4(KCNH2):c.2774_2775delinsTT (p.Gly925Val)

Gene: KCNH2 (potassium voltage-gated channel subfamily H member 2; minus strand). Cytogenetic location: 7q36.1.
Variant type: Indel.
Coding change: c.2774_2775delinsTT on transcript NM_000238.4 (MANE Select); coding-DNA positions 2774 to 2775, GG replaced by TT.
Protein change: p.Gly925Val; replaces glycine 925 with valine.
Molecular consequence: missense variant.
Genome position (GRCh38, 1-based): chr7:150,947,796-150,947,797, CC replaced by AA on the plus strand (GG replaced by TT on the coding strand, the reverse complement: KCNH2 is on the minus strand). VCF-style: chr7-150947796-CC-AA. GRCh37 (hg19) VCF-style: chr7-150644884-CC-AA.
Other names: c.1754_1755delinsTT, p.Gly585Val (NM_172057.3); short protein forms G585V, G925V.
Identifiers: ClinVar variation 1058588 (VCV001058588.9), dbSNP rs2116933373, ClinGen allele CA2499218789.
Genomic context (GRCh38, chr7:150,947,796, plus strand): 5'-GCCCTCATCCTCACTGCTCTCAGGGCTGGAGGGGCCACTGGACGGGCTCTCCCCCCACGG[CC>AA]CCCCCGGCCGGCCCCGGCTACTCGGCCCTGCCCCCGCCCGGCCCGGCCCCAAGGCCGACA-3'
Protein context (NP_000229.1, residues 915-935): AGPSSRGRPG[Gly925Val]PWGESPSSGP

ClinVar aggregate classification (germline): Uncertain significance (1 of 4 stars; one submission).

Conditions:
Long QT syndrome (LQTS). Identifiers: MedGen C0023976, MeSH D008133, MONDO:0002442. Disease mechanism: loss of function. Inheritance: Various modes of inheritance.

Submission:

Labcorp Genetics (formerly Invitae), Labcorp
Classification: Uncertain significance for Long QT syndrome. Last evaluated: 2022-08-09. Review status: criteria provided, single submitter. Criteria: Invitae Variant Classification Sherloc (09022015). Collection method: clinical testing. Allele origin: germline.
Comment: In summary, the available evidence is currently insufficient to determine the role of this variant in disease. Therefore, it has been classified as a Variant of Uncertain Significance. Algorithms developed to predict the effect of missense changes on protein structure and function are either unavailable or do not agree on the potential impact of this missense change (SIFT: "Not Available"; PolyPhen-2: "Benign"; Align-GVGD: "Not Available"). ClinVar contains an entry for this variant (Variation ID: 1058588). This variant has not been reported in the literature in individuals affected with KCNH2-related conditions. Information on the frequency of this variant in the gnomAD database is not available, as this variant may be reported differently in the database. This sequence change replaces glycine, which is neutral and non-polar, with valine, which is neutral and non-polar, at codon 925 of the KCNH2 protein (p.Gly925Val).